The following is an entry in ClinVar:

NM_016219.5(MAN1B1):c.1951G>A (p.Glu651Lys)

Gene: MAN1B1 (mannosidase alpha class 1B member 1; plus strand). Cytogenetic location: 9q34.3.
Variant type: single nucleotide variant.
Coding change: c.1951G>A on transcript NM_016219.5 (MANE Select); coding-DNA position 1951, G replaced by A.
Protein change: p.Glu651Lys; replaces glutamic acid 651 with lysine.
Molecular consequence: missense variant. On other transcripts: non-coding transcript variant (2).
Genome position (GRCh38, 1-based): chr9:137,108,442, G>A. VCF-style: chr9-137108442-G-A. GRCh37 (hg19) VCF-style: chr9-140002894-G-A.
Other names: c.1843G>A, p.Glu615Lys (NM_007230.1); short protein forms E615K, E651K.
Identifiers: ClinVar variation 2058346 (VCV002058346.4), dbSNP rs114324502, ClinGen allele CA5359528.

ClinVar aggregate classification (germline): Uncertain significance. Review status: criteria provided, multiple submitters, no conflicts (2 of 4 stars). 2 submissions from 2 submitters: Uncertain significance (2). Last evaluated 2024-11-18.

Conditions:
Rafiq syndrome (RAFQS). Identifiers: Orphanet 88616, MedGen C3280127, MONDO:0013624, OMIM 614202.

Allele frequency attached by ClinVar (database versions not stated): ExAC 0.00006; TOPMed 0.00008; gnomAD 0.00009; 1000 Genomes Project 0.00080; 1000 Genomes Project 30x 0.00094.
gnomAD v4.1: 26 of 1,613,932 alleles (0.0016%); highest among the groups gnomAD compares: African/African-American, 0.024%; no homozygotes.

Submissions (2):

Labcorp Genetics (formerly Invitae), Labcorp
Classification: Uncertain significance for Rafiq syndrome. Last evaluated: 2024-11-18. Review status: criteria provided, single submitter. Criteria: Invitae Variant Classification Sherloc (09022015). Collection method: clinical testing. Allele origin: germline.
Comment: This sequence change replaces glutamic acid, which is acidic and polar, with lysine, which is basic and polar, at codon 651 of the MAN1B1 protein (p.Glu651Lys). This variant is present in population databases (rs114324502, gnomAD 0.02%). This variant has not been reported in the literature in individuals affected with MAN1B1-related conditions. ClinVar contains an entry for this variant (Variation ID: 2058346). An algorithm developed to predict the effect of missense changes on protein structure and function (PolyPhen-2) suggests that this variant is likely to be tolerated. In summary, the available evidence is currently insufficient to determine the role of this variant in disease. Therefore, it has been classified as a Variant of Uncertain Significance.

Blueprint Genetics
Classification: Uncertain significance. Last evaluated: 2021-12-07. Review status: criteria provided, single submitter. Criteria: ACMG Guidelines, 2015. Collection method: clinical testing. Allele origin: germline.